The following is an entry in ClinVar:

NM_183050.4(BCKDHB):c.132_133delinsCTGTCTCTTATA (p.Ala45fs)

Gene: BCKDHB (branched chain keto acid dehydrogenase E1 subunit beta; plus strand). Cytogenetic location: 6q14.1.
Variant type: Indel.
Coding change: c.132_133delinsCTGTCTCTTATA on transcript NM_183050.4 (MANE Select); coding-DNA positions 132 to 133, TG replaced by CTGTCTCTTATA.
Protein change: p.Ala45fs; shifts the reading frame from alanine 45.
Molecular consequence: frameshift variant. On other transcripts: 5 prime UTR variant (1), non-coding transcript variant (6), intron variant (1).
Genome position (GRCh38, 1-based): chr6:80,106,825-80,106,826, TG replaced by CTGTCTCTTATA. VCF-style: chr6-80106825-TG-CTGTCTCTTATA. GRCh37 (hg19) VCF-style: chr6-80816542-TG-CTGTCTCTTATA.
Other names: c.132_133delinsCTGTCTCTTATA, p.Ala45fs (NM_000056.5, NM_001424035.1, NM_001424036.1 and 8 more transcripts); c.-33_-32delinsCTGTCTCTTATA (NM_001424043.1); c.-15+142_-15+143delinsCTGTCTCTTATA (NM_001318975.1); short protein forms A45fs.
Identifiers: ClinVar variation 5011245 (VCV005011245.1).

ClinVar aggregate classification (germline): Pathogenic (1 of 4 stars; one submission).

Conditions:
Maple syrup urine disease type 1B (MSUD1B). Also called: MSUD type IB; MSUD type 3 (formerly); MSUD due to deficiency of e1-beta subunit of branched-chain alpha-keto acid dehydrogenase complex. Identifiers: MedGen C2930990, MONDO:0023692, OMIM 620698.

Submission:

Myriad Genetics, Inc.
Classification: Pathogenic for Maple syrup urine disease type 1B. Last evaluated: 2023-08-06. Review status: criteria provided, single submitter. Criteria: Myriad Autosomal Dominant, Autosomal Recessive and X-Linked Classification Criteria (2023). Collection method: clinical testing. Allele origin: unknown.
Comment: NM_183050.2(BCKDHB):c.132_133del2ins12(A45Cfs*42) is expected to be pathogenic in the context of maple syrup urine disease type Ib. This variant is predicted to lead to an abnormal or absent protein product due to the creation of a premature termination codon in BCKDHB, a gene where loss-of-function variants are known to be pathogenic. Please note: this variant was assessed in the context of healthy population screening.